The following is an entry in ClinVar:

NM_000388.4(CASR):c.634A>G (p.Ile212Val)

Gene: CASR (calcium sensing receptor; plus strand). Cytogenetic location: 3q21.1.
Variant type: single nucleotide variant.
Coding change: c.634A>G on transcript NM_000388.4 (MANE Select); coding-DNA position 634, A replaced by G.
Protein change: p.Ile212Val; replaces isoleucine 212 with valine.
Molecular consequence: missense variant.
Genome position (GRCh38, 1-based): chr3:122,261,669, A>G. VCF-style: chr3-122261669-A-G. GRCh37 (hg19) VCF-style: chr3-121980516-A-G.
Other names: c.634A>G, p.Ile212Val (NM_001178065.2); short protein forms I212V.
Identifiers: ClinVar variation 863889 (VCV000863889.10), dbSNP rs2074624132, ClinGen allele CA354151014.

ClinVar aggregate classification (germline): Uncertain significance (1 of 4 stars; one submission).

Conditions:
Familial hypocalciuric hypercalcemia (FHH). Also called: Familial benign hypercalcemia. Identifiers: Orphanet 405, MedGen C1809471, MONDO:0018458.
Autosomal dominant hypocalcemia 1 (HYPOC1). Also called: HYPOCALCEMIA, FAMILIAL. Identifiers: MedGen C3715128, MONDO:0011013, OMIM 601198.

Allele frequency attached by ClinVar (database versions not stated): gnomAD exomes below 0.00001.
gnomAD v4.1: 1 of 1,614,220 alleles (0.000062%); highest among the groups gnomAD compares: Non-Finnish European, 0.000085%; no homozygotes.

Submission:

Labcorp Genetics (formerly Invitae), Labcorp
Classification: Uncertain significance for Familial hypocalciuric hypercalcemia; Autosomal dominant hypocalcemia 1. Last evaluated: 2019-03-11. Review status: criteria provided, single submitter. Criteria: Invitae Variant Classification Sherloc (09022015). Collection method: clinical testing. Allele origin: germline.
Comment: In summary, the available evidence is currently insufficient to determine the role of this variant in disease. Therefore, it has been classified as a Variant of Uncertain Significance. Algorithms developed to predict the effect of missense changes on protein structure and function (SIFT, PolyPhen-2, Align-GVGD) all suggest that this variant is likely to be tolerated, but these predictions have not been confirmed by published functional studies and their clinical significance is uncertain. This variant has not been reported in the literature in individuals with CASR-related conditions. This variant is not present in population databases (ExAC no frequency). This sequence change replaces isoleucine with valine at codon 212 of the CASR protein (p.Ile212Val). The isoleucine residue is highly conserved and there is a small physicochemical difference between isoleucine and valine.